The following is an entry in ClinVar:

NM_032447.5(FBN3):c.7925G>A (p.Arg2642Gln)

Gene: FBN3 (fibrillin 3; minus strand). Cytogenetic location: 19p13.2.
Variant type: single nucleotide variant.
Coding change: c.7925G>A on transcript NM_032447.5 (MANE Select); coding-DNA position 7925, G replaced by A.
Protein change: p.Arg2642Gln; replaces arginine 2642 with glutamine.
Molecular consequence: missense variant.
Genome position (GRCh38, 1-based): chr19:8,073,075, C>T on the plus strand (G>A on the coding strand, the complement: FBN3 is on the minus strand). VCF-style: chr19-8073075-C-T. GRCh37 (hg19) VCF-style: chr19-8137959-C-T.
Other names: c.7925G>A, p.Arg2642Gln (NM_001321431.2); short protein forms R2642Q.
Identifiers: ClinVar variation 3719360 (VCV003719360.2).

ClinVar aggregate classification (germline): Uncertain significance (1 of 4 stars; one submission).

Submission:

Labcorp Genetics (formerly Invitae), Labcorp
Classification: Uncertain significance. Last evaluated: 2025-07-07. Review status: criteria provided, single submitter. Criteria: Invitae Variant Classification Sherloc (09022015). Collection method: clinical testing. Allele origin: germline.
Comment: This sequence change replaces arginine, which is basic and polar, with glutamine, which is neutral and polar, at codon 2642 of the FBN3 protein (p.Arg2642Gln). This variant is present in population databases (rs752534850, gnomAD 0.006%). This variant has not been reported in the literature in individuals affected with FBN3-related conditions. ClinVar contains an entry for this variant (Variation ID: 3719360). Invitae Evidence Modeling of protein sequence and biophysical properties (such as structural, functional, and spatial information, amino acid conservation, physicochemical variation, residue mobility, and thermodynamic stability) indicates that this missense variant is expected to disrupt FBN3 protein function with a positive predictive value of 80%. In summary, the available evidence is currently insufficient to determine the role of this variant in disease. Therefore, it has been classified as a Variant of Uncertain Significance.